The following is an entry in ClinVar:

NM_001330078.2(NRXN1):c.772+1063C>T

Gene: NRXN1 (neurexin 1; minus strand). Cytogenetic location: 2p16.3.
Variant type: single nucleotide variant.
Coding change: c.772+1063C>T on transcript NM_001330078.2 (MANE Select); 1063 bases into the intron after coding-DNA position 772, C replaced by T.
Molecular consequence: intron variant. On other transcripts: missense variant (1).
Genome position (GRCh38, 1-based): chr2:51,026,439, G>A on the plus strand (C>T on the coding strand, the complement: NRXN1 is on the minus strand). VCF-style: chr2-51026439-G-A. GRCh37 (hg19) VCF-style: chr2-51253577-G-A.
Other names: c.803C>T, p.Pro268Leu (NM_001135659.3); c.772+1063C>T (NM_001330096.2, NM_001330087.2, NM_001330083.2 and 14 more transcripts); short protein forms P268L.
Identifiers: ClinVar variation 581165 (VCV000581165.10), dbSNP rs184695687, ClinGen allele CA1655392.
Genomic context (GRCh38, chr2:51,026,439, plus strand): 5'-AGAGGCTTTGCTGTATTTATACAACAGTATTTTCCTTGGTCATTGTCATGTAACAGCACC[G>A]GCAAAACACACTGAAGACCGAATTTTATTTCTAAAGAGGAGAAAAGAGAACTTAGGTATG-3'

ClinVar aggregate classification (germline): Uncertain significance. Review status: criteria provided, multiple submitters, no conflicts (2 of 4 stars). 2 submissions from 2 submitters: Uncertain significance (2). Last evaluated 2024-10-15.

Conditions:
Pitt-Hopkins-like syndrome 2 (PTHSL2). Identifiers: Orphanet 221150, Orphanet 600663, MedGen C3280479, MONDO:0013690, OMIM 614325.
Inborn genetic diseases. Identifiers: MedGen C0950123, MeSH D030342.

Allele frequency attached by ClinVar (database versions not stated): TOPMed 0.00001; ExAC 0.00008; gnomAD 0.00009 and 0.00010; gnomAD exomes 0.00011; 1000 Genomes Project 30x 0.00016; 1000 Genomes Project 0.00020.
gnomAD v4.1: 69 of 1,604,814 alleles (0.0043%); highest among the groups gnomAD compares: East Asian, 0.013%; no homozygotes.

Submissions (2):

Labcorp Genetics (formerly Invitae), Labcorp
Classification: Uncertain significance for Pitt-Hopkins-like syndrome 2. Last evaluated: 2024-10-15. Review status: criteria provided, single submitter. Criteria: Invitae Variant Classification Sherloc (09022015). Collection method: clinical testing. Allele origin: germline.
Comment: This sequence change replaces proline, which is neutral and non-polar, with leucine, which is neutral and non-polar, at codon 268 of the NRXN1 protein (p.Pro268Leu). This variant is present in population databases (rs184695687, gnomAD 0.1%). This variant has not been reported in the literature in individuals affected with NRXN1-related conditions. ClinVar contains an entry for this variant (Variation ID: 581165). Invitae Evidence Modeling of protein sequence and biophysical properties (such as structural, functional, and spatial information, amino acid conservation, physicochemical variation, residue mobility, and thermodynamic stability) indicates that this missense variant is not expected to disrupt NRXN1 protein function with a negative predictive value of 80%. In summary, the available evidence is currently insufficient to determine the role of this variant in disease. Therefore, it has been classified as a Variant of Uncertain Significance.

Ambry Genetics
Classification: Uncertain significance for Inborn genetic diseases. Last evaluated: 2024-05-13. Review status: criteria provided, single submitter. Criteria: Ambry Variant Classification Scheme 2023. Collection method: clinical testing. Allele origin: germline.